The following is an entry in ClinVar:

NM_001391958.1(NLRP10):c.792G>A (p.Lys264=)

Gene: NLRP10 (NLR family pyrin domain containing 10; minus strand). Cytogenetic location: 11p15.4.
Variant type: single nucleotide variant.
Coding change: c.792G>A on transcript NM_001391958.1 (MANE Select); coding-DNA position 792, G replaced by A.
Protein change: p.Lys264=; no amino-acid change (lysine 264 retained).
Molecular consequence: synonymous variant.
Genome position (GRCh38, 1-based): chr11:7,960,820, C>T on the plus strand (G>A on the coding strand, the complement: NLRP10 is on the minus strand). VCF-style: chr11-7960820-C-T. GRCh37 (hg19) VCF-style: chr11-7982367-C-T.
Other names: c.792G>A, p.Lys264= (NM_176821.4).
Identifiers: ClinVar variation 786592 (VCV000786592.23), dbSNP rs112117055, ClinGen allele CA5870132.

ClinVar aggregate classification (germline): Benign. Review status: criteria provided, multiple submitters, no conflicts (2 of 4 stars). 2 submissions from 2 submitters: Benign (2). Last evaluated 2024-04-01.

Allele frequency attached by ClinVar (database versions not stated): gnomAD exomes 0.00042 and 0.00115; ExAC 0.00136; gnomAD 0.00401 and 0.00427; TOPMed 0.00457; ESP Exome Variant Server 0.00469; 1000 Genomes Project 0.00539; 1000 Genomes Project 30x 0.00578.
gnomAD v4.1: 1,253 of 1,614,114 alleles (0.078%); highest among the groups gnomAD compares: African/African-American, 1.5%; 7 homozygotes.

Submissions (2):

CeGaT Center for Human Genetics Tuebingen
Classification: Benign. Last evaluated: 2024-04-01. Review status: criteria provided, single submitter. Criteria: CeGaT Center For Human Genetics Tuebingen Variant Classification Criteria Version 2. Collection method: clinical testing. Allele origin: germline. Affected: yes. Observed: 1 variant allele.
Comment: NLRP10: BP4, BP7, BS1, BS2

Labcorp Genetics (formerly Invitae), Labcorp
Classification: Benign. Last evaluated: 2018-02-20. Review status: criteria provided, single submitter. Criteria: Invitae Variant Classification Sherloc (09022015). Collection method: clinical testing. Allele origin: germline.